The following is an entry in ClinVar:

NM_000111.3(SLC26A3):c.1836G>T (p.Gln612His)

Gene: SLC26A3 (solute carrier family 26 member 3; minus strand). Cytogenetic location: 7q22.3.
Variant type: single nucleotide variant.
Coding change: c.1836G>T on transcript NM_000111.3 (MANE Select); coding-DNA position 1836, G replaced by T.
Protein change: p.Gln612His; replaces glutamine 612 with histidine.
Molecular consequence: missense variant.
Genome position (GRCh38, 1-based): chr7:107,774,091, C>A on the plus strand (G>T on the coding strand, the complement: SLC26A3 is on the minus strand). VCF-style: chr7-107774091-C-A. GRCh37 (hg19) VCF-style: chr7-107414536-C-A.
Other names: short protein forms Q612H.
Identifiers: ClinVar variation 1413525 (VCV001413525.5), dbSNP rs2115812959, ClinGen allele CA368850331.

ClinVar aggregate classification (germline): Uncertain significance (1 of 4 stars; one submission).

Submission:

Labcorp Genetics (formerly Invitae), Labcorp
Classification: Uncertain significance. Last evaluated: 2021-09-02. Review status: criteria provided, single submitter. Criteria: Invitae Variant Classification Sherloc (09022015). Collection method: clinical testing. Allele origin: germline.
Comment: This sequence change replaces glutamine with histidine at codon 612 of the SLC26A3 protein (p.Gln612His). The glutamine residue is weakly conserved and there is a small physicochemical difference between glutamine and histidine. This variant is not present in population databases (ExAC no frequency). This variant has not been reported in the literature in individuals affected with SLC26A3-related conditions. Advanced modeling of protein sequence and biophysical properties (such as structural, functional, and spatial information, amino acid conservation, physicochemical variation, residue mobility, and thermodynamic stability) performed at Invitae indicates that this missense variant is not expected to disrupt SLC26A3 protein function. In summary, the available evidence is currently insufficient to determine the role of this variant in disease. Therefore, it has been classified as a Variant of Uncertain Significance.